The following is an entry in ClinVar:

NM_005732.4(RAD50):c.1760T>A (p.Ile587Asn)

Gene: RAD50 (RAD50 double strand break repair protein; plus strand). Cytogenetic location: 5q31.1.
Variant type: single nucleotide variant.
Coding change: c.1760T>A on transcript NM_005732.4 (MANE Select); coding-DNA position 1760, T replaced by A.
Protein change: p.Ile587Asn; replaces isoleucine 587 with asparagine.
Molecular consequence: missense variant.
Genome position (GRCh38, 1-based): chr5:132,592,001, T>A. VCF-style: chr5-132592001-T-A. GRCh37 (hg19) VCF-style: chr5-131927693-T-A.
Other names: short protein forms I587N.
Identifiers: ClinVar variation 1779578 (VCV001779578.2), dbSNP rs769527393, ClinGen allele CA360946688.

ClinVar aggregate classification (germline): Uncertain significance (1 of 4 stars; one submission).

Conditions:
Hereditary cancer-predisposing syndrome. Also called: Neoplastic Syndromes, Hereditary; Tumor predisposition; Hereditary Cancer Syndrome; Hereditary neoplastic syndrome. Identifiers: Orphanet 140162, MedGen C0027672, MeSH D009386, MONDO:0015356.

gnomAD v4.1: 3 of 1,613,072 alleles (0.00019%); highest among the groups gnomAD compares: East Asian, 0.0067%; no homozygotes.

Submission:

Ambry Genetics
Classification: Uncertain significance for Hereditary cancer-predisposing syndrome. Last evaluated: 2019-12-10. Review status: criteria provided, single submitter. Criteria: Ambry Variant Classification Scheme 2023. Collection method: clinical testing. Allele origin: germline.
Comment: The p.I587N variant (also known as c.1760T>A), located in coding exon 11 of the RAD50 gene, results from a T to A substitution at nucleotide position 1760. The isoleucine at codon 587 is replaced by asparagine, an amino acid with dissimilar properties. This amino acid position is highly conserved in available vertebrate species. In addition, the in silico prediction for this alteration is inconclusive. Since supporting evidence is limited at this time, the clinical significance of this alteration remains unclear.